The following is an entry in ClinVar:

NM_005982.4(SIX1):c.269C>A (p.Ala90Glu)

Gene: SIX1 (SIX homeobox 1; minus strand). Cytogenetic location: 14q23.1.
Variant type: single nucleotide variant.
Coding change: c.269C>A on transcript NM_005982.4 (MANE Select); coding-DNA position 269, C replaced by A.
Protein change: p.Ala90Glu; replaces alanine 90 with glutamic acid.
Molecular consequence: missense variant.
Genome position (GRCh38, 1-based): chr14:60,648,921, G>T on the plus strand (C>A on the coding strand, the complement: SIX1 is on the minus strand). VCF-style: chr14-60648921-G-T. GRCh37 (hg19) VCF-style: chr14-61115639-G-T.
Other names: short protein forms A90E.
Identifiers: ClinVar variation 1878971 (VCV001878971.1), dbSNP rs2502644266, ClinGen allele CA389910669.

ClinVar aggregate classification (germline): Uncertain significance (1 of 4 stars; one submission).

Submission:

GeneDx
Classification: Uncertain significance. Last evaluated: 2022-07-11. Review status: criteria provided, single submitter. Criteria: GeneDx Variant Classification Process June 2021. Collection method: clinical testing. Allele origin: germline. Affected: yes.
Comment: Not observed at significant frequency in large population cohorts (gnomAD); In silico analysis supports that this missense variant has a deleterious effect on protein structure/function; Has not been previously published as pathogenic or benign to our knowledge